The following is an entry in ClinVar:

ClinVar aggregate classification (germline): Pathogenic (1 of 4 stars; one submission).

Conditions:
Galactosylceramide beta-galactosidase deficiency. Also called: Leukodystrophy, Globoid Cell; Krabbe Disease; GALACTOCEREBROSIDASE DEFICIENCY; GALC DEFICIENCY; GLOBOID CELL LEUKOENCEPHALOPATHY. Identifiers: Orphanet 487, MedGen C0023521, MONDO:0009499, OMIM 245200.

Submission:

Labcorp Genetics (formerly Invitae), Labcorp
Classification: Pathogenic for Galactosylceramide beta-galactosidase deficiency. Last evaluated: 2019-05-20. Review status: criteria provided, single submitter. Criteria: Invitae Variant Classification Sherloc (09022015). Collection method: clinical testing. Allele origin: germline.
Comment: This variant is an out-of-frame deletion of the genomic region encompassing exon 10 of the GALC gene. This is expected to create a premature translational stop signal and result in an absent or disrupted protein product. This variant has not been reported in the literature in individuals with a GALC-related disease. Loss-of-function variants in GALC are known to be pathogenic (PMID: 7437911, 9272171, 16607461). For these reasons, this variant has been classified as Pathogenic.

NC_000014.9:g.(?_87963374)_(87963521_?)del

Gene: GALC (galactosylceramidase; minus strand). Cytogenetic location: 14q31.3.
Variant type: Deletion.
Identifiers: ClinVar variation 831215 (VCV000831215.1).